The following is an entry in ClinVar:

NM_000059.4(BRCA2):c.8954-2_8959del

Gene: BRCA2 (BRCA2 DNA repair associated; plus strand). Cytogenetic location: 13q13.1.
Variant type: Deletion.
Coding change: c.8954-2_8959del on transcript NM_000059.4 (MANE Select); the canonical splice acceptor site of the intron before coding-DNA position 8954 through coding-DNA position 8959, 8 bases deleted (AGTTATAC; older notation c.8954-2_8959delAGTTATAC).
Molecular consequence: splice acceptor variant.
Genome position (GRCh38, 1-based): chr13:32,379,748-32,379,755, AGTTATAC deleted; deleting any 8 consecutive bases within chr13:32,379,746-32,379,755 gives the same sequence; the c. name uses the placement nearest the transcript's 3' end. VCF-style (leftmost placement, unchanged base first): chr13-32379745-AACAGTTAT-A. GRCh37 (hg19) VCF-style: chr13-32953882-AACAGTTAT-A.
Other names: c.8954-2_8959delAGTTATAC (NM_000059.3).
Identifiers: ClinVar variation 566476 (VCV000566476.12), dbSNP rs1566252995, ClinGen allele CA891843581.

ClinVar aggregate classification (germline): Pathogenic/Likely pathogenic. Review status: criteria provided, multiple submitters, no conflicts (2 of 4 stars). 2 submissions from 2 submitters: Pathogenic (1); Likely pathogenic (1). Last evaluated 2018-08-13.

Conditions:
Hereditary cancer-predisposing syndrome. Also called: Neoplastic Syndromes, Hereditary; Tumor predisposition; Hereditary neoplastic syndrome; Hereditary Cancer Syndrome. Identifiers: Orphanet 140162, MedGen C0027672, MeSH D009386, MONDO:0015356.
Hereditary breast ovarian cancer syndrome. Also called: Hereditary breast and ovarian cancer syndrome (HBOC); Hereditary breast and ovarian cancer; Hereditary breast and/or ovarian cancer syndrome; Hereditary breast and ovarian cancer syndrome; Breast and ovarian cancer; BRCA1- and BRCA2-Associated Hereditary Breast and Ovarian Cancer. Identifiers: Orphanet 145, MedGen C0677776, MeSH D061325, MONDO:0003582. Disease mechanism: loss of function.

Submissions (2):

Labcorp Genetics (formerly Invitae), Labcorp
Classification: Pathogenic for Hereditary breast ovarian cancer syndrome. Last evaluated: 2018-08-13. Review status: criteria provided, single submitter. Criteria: Invitae Variant Classification Sherloc (09022015). Collection method: clinical testing. Allele origin: germline.
Comment: This sequence change removes the first 6 nucleotides of exon 23, and affects an acceptor splice site in intron 22 of the BRCA2 gene. It is expected to disrupt RNA splicing and likely results in an absent or disrupted protein product. This variant is not present in population databases (ExAC no frequency). Algorithms developed to predict the effect of sequence changes on RNA splicing suggest that this variant may disrupt the consensus splice site, but this prediction has not been confirmed by published transcriptional studies. Donor and acceptor splice site variants typically lead to a loss of protein function (PMID: 16199547), and loss-of-function variants in BRCA2 are known to be pathogenic (PMID: 20104584). For these reasons, this variant has been classified as Pathogenic.

Ambry Genetics
Classification: Likely pathogenic for Hereditary cancer-predisposing syndrome. Last evaluated: 2018-06-19. Review status: criteria provided, single submitter. Criteria: Ambry Variant Classification Scheme 2023. Collection method: clinical testing. Allele origin: germline.
Comment: The c.8954-2_8959delAGTTATAC variant results from a deletion of 8 nucleotides at positions 8954-2 to 8959 of the BRCA2 gene. This nucleotide region is not well conserved in available vertebrate species. Using the BDGP and ESEfinder splice site prediction tools, this alteration is predicated to abolish the native acceptor splice site; however, direct evidence is unavailable. Alterations that disrupt the canonical splice site are expected to cause aberrant splicing, resulting in an abnormal protein or a transcript that is subject to nonsense-mediated mRNA decay. As such, this alteration is classified as likely pathogenic.

Literature cited by the submitters: PubMed 16199547 (cited by Labcorp Genetics (formerly Invitae), Labcorp); PubMed 20104584 (cited by Labcorp Genetics (formerly Invitae), Labcorp).